The following is an entry in ClinVar:

ClinVar aggregate classification (germline): Conflicting classifications of pathogenicity. Review status: criteria provided, conflicting classifications (1 of 4 stars). 9 submissions from 9 submitters: Uncertain significance (5); Likely benign (1). 3 of the submissions do not count toward it. Last evaluated 2026-08-07.

Conditions:
TTN-related disorder. Also called: TTN-related condition; TTN-related disease; TTN-related disorders.
Cardiovascular phenotype. Identifiers: MedGen CN230736.
Early-onset myopathy with fatal cardiomyopathy (CMYO5). Also called: Salih Myopathy; CONGENITAL MYOPATHY 5 WITH CARDIOMYOPATHY. Identifiers: Orphanet 289377, MedGen C2673677, MONDO:0012714, OMIM 611705. Disease mechanism: loss of function.
Dilated cardiomyopathy 1G (CMD1G). Identifiers: Orphanet 154, MedGen C1858763, MONDO:0011400, OMIM 604145.
Autosomal recessive limb-girdle muscular dystrophy type 2J (LGMDR10). Also called: Limb-girdle muscular dystrophy, type 2J; MUSCULAR DYSTROPHY, LIMB-GIRDLE, AUTOSOMAL RECESSIVE 10. Identifiers: Orphanet 140922, MedGen C1837342, MONDO:0012127, OMIM 608807.
Tibial muscular dystrophy (TMD). Also called: Tibial muscular dystrophy, tardive; Udd Distal Myopathy – Tibial Muscular Dystrophy; UDD MYOPATHY. Identifiers: Orphanet 609, MedGen C1838244, MONDO:0010870, OMIM 600334.
Myopathy, myofibrillar, 9, with early respiratory failure (MFM9). Also called: Myopathy, distal, with early respiratory failure, autosomal dominant; MYOPATHY, PROXIMAL, WITH EARLY RESPIRATORY MUSCLE INVOLVEMENT; Hereditary myopathy with early respiratory failure; EDSTROM MYOPATHY. Identifiers: Orphanet 178464, Orphanet 34521, MedGen C1863599, MONDO:0011362, OMIM 603689.
Hypertrophic cardiomyopathy 9. Also called: Familial hypertrophic cardiomyopathy 9. Identifiers: MedGen C1861065, MONDO:0013412, OMIM 613765.

Allele frequency attached by ClinVar (database versions not stated): gnomAD 0.00007; TOPMed 0.00007.
gnomAD v4.1: 79 of 1,612,178 alleles (0.0049%); highest among the groups gnomAD compares: South Asian, 0.026%; 1 homozygote.

Submissions (9):

PreventionGenetics, part of Exact Sciences
Classification: Uncertain significance for TTN-related condition. Last evaluated: 2026-08-07. Review status: criteria provided, single submitter. Criteria: ACMG Guidelines, 2015. Collection method: clinical testing. Allele origin: germline.
Comment: The TTN c.44588C>T variant is predicted to result in the amino acid substitution p.Thr14863Met. To our knowledge, this variant has not been reported in the literature. This variant is reported in 0.026% of alleles in individuals of South Asian descent in gnomAD. At this time, the clinical significance of this variant is uncertain due to the absence of conclusive functional and genetic evidence.

Molecular Diagnostic Laboratory for Inherited Cardiovascular Disease, Montreal Heart Institute
Classification: Likely benign. Last evaluated: 2026-03-27. Review status: criteria provided, single submitter. Criteria: ACMG Guidelines, 2015. Collection method: clinical testing. Allele origin: germline. Affected: no.
Comment: BP1

Fulgent Genetics
Classification: Uncertain significance for Tibial muscular dystrophy; Myopathy, myofibrillar, 9, with early respiratory failure; Dilated cardiomyopathy 1G; Autosomal recessive limb-girdle muscular dystrophy type 2J; Early-onset myopathy with fatal cardiomyopathy; Hypertrophic cardiomyopathy 9. Last evaluated: 2021-08-31. Review status: criteria provided, single submitter. Criteria: ACMG Guidelines, 2015. Collection method: clinical testing. Allele origin: unknown.

Ambry Genetics
Classification: Uncertain significance for Cardiovascular phenotype. Last evaluated: 2020-01-17. Review status: criteria provided, single submitter. Criteria: Ambry Variant Classification Scheme 2023. Collection method: clinical testing. Allele origin: germline.
Comment: The p.T5798M variant (also known as c.17393C>T), located in coding exon 69 of the TTN gene, results from a C to T substitution at nucleotide position 17393. The threonine at codon 5798 is replaced by methionine, an amino acid with similar properties. This amino acid position is highly conserved in available vertebrate species. In addition, the in silico prediction for this alteration is inconclusive. Since supporting evidence is limited at this time, the clinical significance of this alteration remains unclear.

Revvity Omics, Revvity
Classification: Uncertain significance. Last evaluated: 2019-04-02. Review status: criteria provided, single submitter. Criteria: ACMG Guidelines, 2015. Collection method: clinical testing. Allele origin: germline.

Eurofins Ntd Llc (ga)
Classification: Uncertain significance. Last evaluated: 2014-10-23. Review status: criteria provided, single submitter. Criteria: EGL Classification Definitions 2015. Collection method: clinical testing. Allele origin: germline. Observed: 1 variant allele, 1 heterozygote.

Clinical Genetics DNA and cytogenetics Diagnostics Lab, Erasmus MC, Erasmus Medical Center
Classification: Uncertain significance. Review status: no assertion criteria provided. Collection method: clinical testing. Allele origin: germline. Affected: yes. Study: VKGL Data-share Consensus. Not counted in ClinVar's aggregate classification.

Clinical Genetics, Academic Medical Center
Classification: Uncertain significance. Review status: no assertion criteria provided. Collection method: clinical testing. Allele origin: germline. Affected: yes. Study: VKGL Data-share Consensus. Not counted in ClinVar's aggregate classification.

Diagnostic Laboratory, Department of Genetics, University Medical Center Groningen
Classification: Uncertain significance. Review status: no assertion criteria provided. Collection method: clinical testing. Allele origin: germline. Affected: yes. Study: VKGL Data-share Consensus. Not counted in ClinVar's aggregate classification.

NM_001267550.2(TTN):c.44588C>T (p.Thr14863Met)

Gene: TTN (titin; minus strand). Cytogenetic location: 2q31.2.
Variant type: single nucleotide variant.
Coding change: c.44588C>T on transcript NM_001267550.2 (MANE Select); coding-DNA position 44588, C replaced by T.
Protein change: p.Thr14863Met; replaces threonine 14863 with methionine.
Molecular consequence: missense variant.
Genome position (GRCh38, 1-based): chr2:178,624,692, G>A on the plus strand (C>T on the coding strand, the complement: TTN is on the minus strand). VCF-style: chr2-178624692-G-A. GRCh37 (hg19) VCF-style: chr2-179489419-G-A.
Other names: c.39665C>T, p.Thr13222Met (NM_001256850.1); c.17393C>T, p.Thr5798Met (NM_003319.4); c.36884C>T, p.Thr12295Met (NM_133378.4); c.17768C>T, p.Thr5923Met (NM_133432.3); c.17969C>T, p.Thr5990Met (NM_133437.4); short protein forms T14863M, T12295M, T5798M, T5923M, T13222M, T5990M.
Identifiers: ClinVar variation 195005 (VCV000195005.19), dbSNP rs759406486, ClinGen allele CA241258.